The following is an entry in ClinVar:

NM_006648.4(WNK2):c.1484C>A (p.Ala495Asp)

Gene: WNK2 (WNK lysine deficient protein kinase 2; plus strand). Cytogenetic location: 9q22.31.
Variant type: single nucleotide variant.
Coding change: c.1484C>A on transcript NM_006648.4 (MANE Select); coding-DNA position 1484, C replaced by A.
Protein change: p.Ala495Asp; replaces alanine 495 with aspartic acid.
Molecular consequence: missense variant.
Genome position (GRCh38, 1-based): chr9:93,239,918, C>A. VCF-style: chr9-93239918-C-A. GRCh37 (hg19) VCF-style: chr9-96002200-C-A.
Other names: c.1484C>A, p.Ala495Asp (NM_001282394.3); short protein forms A495D.
Identifiers: ClinVar variation 3981916 (VCV003981916.1).
Genomic context (GRCh38, chr9:93,239,918, plus strand): 5'-CCCTGAGGCTCTGGGTGGAAGACCCCAAGAAACTGAAGGGAAAGCCCAAGGACAATGGAG[C>A]CATAGAGTTCACCTTCGACCTGGAGAAGGAGACGCCGGATGAGGTGGCCCAAGAGATGGT-3'
Protein context (NP_006639.3, residues 485-505): KLKGKPKDNG[Ala495Asp]IEFTFDLEKE

ClinVar aggregate classification (germline): Uncertain significance (1 of 4 stars; one submission).

gnomAD v4.1: 2 of 1,612,240 alleles (0.00012%); highest among the groups gnomAD compares: Admixed American, 0.0017%; no homozygotes.

Submission:

Ambry Genetics
Classification: Uncertain significance. Last evaluated: 2025-04-19. Review status: criteria provided, single submitter. Criteria: Ambry Variant Classification Scheme 2023. Collection method: clinical testing. Allele origin: germline.
Comment: The p.A495D variant (also known as c.1484C>A), located in coding exon 6 of the WNK2 gene, results from a C to A substitution at nucleotide position 1484. The alanine at codon 495 is replaced by aspartic acid, an amino acid with dissimilar properties. This amino acid position is conserved. In addition, this alteration is predicted to be deleterious by in silico analysis. Based on the available evidence, the clinical significance of this variant remains unclear.